The following is an entry in ClinVar:

ClinVar aggregate classification (germline): Uncertain significance (1 of 4 stars; one submission).

gnomAD v4.1: 14 of 1,614,188 alleles (0.00087%); highest among the groups gnomAD compares: Non-Finnish European, 0.0012%; no homozygotes.

Submission:

Labcorp Genetics (formerly Invitae), Labcorp
Classification: Uncertain significance. Last evaluated: 2024-08-27. Review status: criteria provided, single submitter. Criteria: Invitae Variant Classification Sherloc (09022015). Collection method: clinical testing. Allele origin: germline.
Comment: This sequence change replaces isoleucine, which is neutral and non-polar, with threonine, which is neutral and polar, at codon 501 of the EPAS1 protein (p.Ile501Thr). This variant is present in population databases (rs751389052, gnomAD 0.0009%). This variant has not been reported in the literature in individuals affected with EPAS1-related conditions. An algorithm developed to predict the effect of missense changes on protein structure and function (PolyPhen-2) suggests that this variant is likely to be tolerated. In summary, the available evidence is currently insufficient to determine the role of this variant in disease. Therefore, it has been classified as a Variant of Uncertain Significance.

NM_001430.5(EPAS1):c.1502T>C (p.Ile501Thr)

Gene: EPAS1 (endothelial PAS domain protein 1; plus strand). Cytogenetic location: 2p21.
Variant type: single nucleotide variant.
Coding change: c.1502T>C on transcript NM_001430.5 (MANE Select); coding-DNA position 1502, T replaced by C.
Protein change: p.Ile501Thr; replaces isoleucine 501 with threonine.
Molecular consequence: missense variant.
Genome position (GRCh38, 1-based): chr2:46,378,715, T>C. VCF-style: chr2-46378715-T-C. GRCh37 (hg19) VCF-style: chr2-46605854-T-C.
Other names: short protein forms I501T.
Identifiers: ClinVar variation 3704571 (VCV003704571.2).